The following is an entry in ClinVar:

NM_001184.4(ATR):c.118T>C (p.Phe40Leu)

Gene: ATR (ATR checkpoint kinase; minus strand). Cytogenetic location: 3q23.
Variant type: single nucleotide variant.
Coding change: c.118T>C on transcript NM_001184.4 (MANE Select); coding-DNA position 118, T replaced by C.
Protein change: p.Phe40Leu; replaces phenylalanine 40 with leucine.
Molecular consequence: missense variant.
Genome position (GRCh38, 1-based): chr3:142,568,096, A>G on the plus strand (T>C on the coding strand, the complement: ATR is on the minus strand). VCF-style: chr3-142568096-A-G. GRCh37 (hg19) VCF-style: chr3-142286938-A-G.
Other names: c.118T>C, p.Phe40Leu (NM_001354579.2); short protein forms F40L.
Identifiers: ClinVar variation 1744627 (VCV001744627.3), dbSNP rs2473446157, ClinGen allele CA354829015.

ClinVar aggregate classification (germline): Uncertain significance (1 of 4 stars; one submission).

Conditions:
Inborn genetic diseases. Identifiers: MedGen C0950123, MeSH D030342.

Allele frequency attached by ClinVar (database versions not stated): gnomAD exomes below 0.00001.

Submission:

Ambry Genetics
Classification: Uncertain significance for Inborn genetic diseases. Last evaluated: 2024-08-10. Review status: criteria provided, single submitter. Criteria: Ambry Variant Classification Scheme 2023. Collection method: clinical testing. Allele origin: germline.
Comment: The p.F40L variant (also known as c.118T>C), located in coding exon 2 of the ATR gene, results from a T to C substitution at nucleotide position 118. The phenylalanine at codon 40 is replaced by leucine, an amino acid with highly similar properties. This amino acid position is conserved. In addition, the in silico prediction for this alteration is inconclusive. Since supporting evidence is limited at this time, the clinical significance of this alteration remains unclear.